The following is an entry in ClinVar:

NM_000540.3(RYR1):c.3231G>A (p.Glu1077=)

Gene: RYR1 (ryanodine receptor 1; plus strand). Cytogenetic location: 19q13.2.
Variant type: single nucleotide variant.
Coding change: c.3231G>A on transcript NM_000540.3 (MANE Select); coding-DNA position 3231, G replaced by A.
Protein change: p.Glu1077=; no amino-acid change (glutamic acid 1077 retained).
Molecular consequence: synonymous variant.
Genome position (GRCh38, 1-based): chr19:38,467,662, G>A. VCF-style: chr19-38467662-G-A. GRCh37 (hg19) VCF-style: chr19-38958302-G-A.
Other names: c.3231G>A, p.Glu1077= (NM_001042723.2).
Identifiers: ClinVar variation 3069636 (VCV003069636.1), dbSNP rs2514101544, ClinGen allele CA507234645.
Genomic context (GRCh38, chr19:38,467,662, plus strand): 5'-ATTTATAGGTCAGGTGGAGAACCAGTCTCGTTGTGACCGGGTGCGCATCTTCCGGGCAGA[G>A]AAATCCTATACAGTGCAGAGCGGCCGCTGGTACTTCGAGTTTGAAGCAGTCACCACAGGC-3'
Protein context (NP_000531.2, residues 1067-1087): RCDRVRIFRA[Glu1077=]KSYTVQSGRW

ClinVar aggregate classification (germline): Likely benign (1 of 4 stars; one submission).

Conditions:
Malignant hyperthermia, susceptibility to, 1 (MHS1). Also called: RYR1-Related Malignant Hyperthermia Susceptibility; Anesthesia related hyperthermia; Malignant hyperpyrexia; Fulminating hyperpyrexia; Pharmacogenic myopathy; Malignant hyperthermia suceptibility 1. Identifiers: Orphanet 423, MedGen C2930980, MONDO:0007783, OMIM 145600.

Submission:

All of Us Research Program, National Institutes of Health
Classification: Likely benign for Malignant hyperthermia, susceptibility to, 1. Last evaluated: 2023-02-24. Review status: criteria provided, single submitter. Criteria: ACMG Guidelines, 2015. Collection method: clinical testing. Allele origin: germline. Inheritance: Autosomal dominant inheritance. Observed: 1 variant allele, 1 heterozygote.
Comment: This study involves interpretation of variants in research participants for the purpose of population health screening. Participant phenotype was not available at the time of variant classification. Additional details can be found in publication PMID: 35346344, PMCID: PMC8962531